The following is an entry in ClinVar:

NM_001005373.4(LRSAM1):c.370G>A (p.Gly124Arg)

Gene: LRSAM1 (leucine rich repeat and sterile alpha motif containing 1; plus strand). Cytogenetic location: 9q33.3.
Variant type: single nucleotide variant.
Coding change: c.370G>A on transcript NM_001005373.4 (MANE Select); coding-DNA position 370, G replaced by A.
Protein change: p.Gly124Arg; replaces glycine 124 with arginine.
Molecular consequence: missense variant. On other transcripts: 5 prime UTR variant (1), non-coding transcript variant (2).
Genome position (GRCh38, 1-based): chr9:127,461,221, G>A. VCF-style: chr9-127461221-G-A. GRCh37 (hg19) VCF-style: chr9-130223500-G-A.
Other names: c.370G>A, p.Gly124Arg (NM_001005374.4, NM_001190723.3, NM_001384142.1 and 2 more transcripts); c.-415G>A (NM_001384144.1); short protein forms G124R.
Identifiers: ClinVar variation 2919115 (VCV002919115.3), dbSNP rs1834730026, ClinGen allele CA374968019.
Genomic context (GRCh38, chr9:127,461,221, plus strand): 5'-CCTCTTTCTTAGGTCTTAAACGTGGAAAGGAATCAACTGATGCAGCTCCCACGTTCCATT[G>A]GGAACCTGACCCAGCTCCAGACTCTCAATGTTAAAGGTAGGGACCAAGAAGCCGTGTCCG-3'
Protein context (NP_001005373.1, residues 114-134): NQLMQLPRSI[Gly124Arg]NLTQLQTLNV

ClinVar aggregate classification (germline): Uncertain significance (1 of 4 stars; one submission).

Conditions:
Charcot-Marie-Tooth disease axonal type 2P. Also called: CHARCOT-MARIE-TOOTH NEUROPATHY, TYPE 2P; Charcot-Marie-Tooth Neuropathy Type 2G; CHARCOT-MARIE-TOOTH DISEASE, AXONAL, TYPE 2G; CMT 2G. Identifiers: Orphanet 300319, Orphanet 99941, MedGen C3280797, MONDO:0013753, OMIM 614436.

Allele frequency attached by ClinVar (database versions not stated): gnomAD exomes below 0.00001; TOPMed below 0.00001.
gnomAD v4.1: 2 of 1,612,302 alleles (0.00012%); highest among the groups gnomAD compares: African/African-American, 0.0027%; no homozygotes.

Submission:

Labcorp Genetics (formerly Invitae), Labcorp
Classification: Uncertain significance for Charcot-Marie-Tooth disease axonal type 2P. Last evaluated: 2023-10-28. Review status: criteria provided, single submitter. Criteria: Invitae Variant Classification Sherloc (09022015). Collection method: clinical testing. Allele origin: germline.
Comment: This sequence change replaces glycine, which is neutral and non-polar, with arginine, which is basic and polar, at codon 124 of the LRSAM1 protein (p.Gly124Arg). This variant is not present in population databases (gnomAD no frequency). This variant has not been reported in the literature in individuals affected with LRSAM1-related conditions. Advanced modeling of protein sequence and biophysical properties (such as structural, functional, and spatial information, amino acid conservation, physicochemical variation, residue mobility, and thermodynamic stability) performed at Invitae indicates that this missense variant is expected to disrupt LRSAM1 protein function with a positive predictive value of 80%. In summary, the available evidence is currently insufficient to determine the role of this variant in disease. Therefore, it has been classified as a Variant of Uncertain Significance.